The following is an entry in ClinVar:

ClinVar aggregate classification (germline): Uncertain significance (1 of 4 stars; one submission).

Submission:

Ambry Genetics
Classification: Uncertain significance. Last evaluated: 2024-11-17. Review status: criteria provided, single submitter. Criteria: Ambry Variant Classification Scheme 2023. Collection method: clinical testing. Allele origin: germline.
Comment: The p.G943R variant (also known as c.2827G>C), located in coding exon 25 of the PRKDC gene, results from a G to C substitution at nucleotide position 2827. The glycine at codon 943 is replaced by arginine, an amino acid with dissimilar properties. This amino acid position is conserved. In addition, the in silico prediction for this alteration is inconclusive. Based on the available evidence, the clinical significance of this variant remains unclear.

NM_006904.7(PRKDC):c.2827G>C (p.Gly943Arg)

Gene: PRKDC (protein kinase, DNA-activated, catalytic subunit; minus strand). Cytogenetic location: 8q11.21.
Variant type: single nucleotide variant.
Coding change: c.2827G>C on transcript NM_006904.7 (MANE Select); coding-DNA position 2827, G replaced by C.
Protein change: p.Gly943Arg; replaces glycine 943 with arginine.
Molecular consequence: missense variant.
Genome position (GRCh38, 1-based): chr8:47,912,517, C>G on the plus strand (G>C on the coding strand, the complement: PRKDC is on the minus strand). VCF-style: chr8-47912517-C-G. GRCh37 (hg19) VCF-style: chr8-48825077-C-G.
Other names: c.2827G>C, p.Gly943Arg (NM_001081640.2); short protein forms G943R.
Identifiers: ClinVar variation 3425412 (VCV003425412.1).